The following is an entry in ClinVar:

ClinVar aggregate classification (germline): Likely benign (0 of 4 stars; one submission).

Conditions:
DCC-related disorder. Also called: DCC-related condition.

Allele frequency attached by ClinVar (database versions not stated): ExAC 0.00007; gnomAD exomes 0.00015; gnomAD 0.00027; 1000 Genomes Project 30x 0.00047; 1000 Genomes Project 0.00060.
gnomAD v4.1: 257 of 1,612,808 alleles (0.016%); highest among the groups gnomAD compares: Admixed American, 0.077%; no homozygotes.

Submission:

PreventionGenetics, part of Exact Sciences
Classification: Likely benign for DCC-related condition. Last evaluated: 2019-08-07. Review status: no assertion criteria provided. Collection method: clinical testing. Allele origin: germline.
Comment: This variant is classified as likely benign based on ACMG/AMP sequence variant interpretation guidelines (Richards et al. 2015 PMID: 25741868, with internal and published modifications).

NM_005215.4(DCC):c.3669G>A (p.Ser1223=)

Gene: DCC (DCC netrin 1 receptor; plus strand). Cytogenetic location: 18q21.2.
Variant type: single nucleotide variant.
Coding change: c.3669G>A on transcript NM_005215.4 (MANE Select); coding-DNA position 3669, G replaced by A.
Protein change: p.Ser1223=; no amino-acid change (serine 1223 retained).
Molecular consequence: synonymous variant.
Genome position (GRCh38, 1-based): chr18:53,467,943, G>A. VCF-style: chr18-53467943-G-A. GRCh37 (hg19) VCF-style: chr18-50994313-G-A.
Identifiers: ClinVar variation 3035445 (VCV003035445.2), dbSNP rs200234919, ClinGen allele CA8967586.